The following is an entry in ClinVar:

NM_001291303.3(FAT4):c.4210A>G (p.Met1404Val)

Gene: FAT4 (FAT atypical cadherin 4; plus strand). Cytogenetic location: 4q28.1.
Variant type: single nucleotide variant.
Coding change: c.4210A>G on transcript NM_001291303.3 (MANE Select); coding-DNA position 4210, A replaced by G.
Protein change: p.Met1404Val; replaces methionine 1404 with valine.
Molecular consequence: missense variant.
Genome position (GRCh38, 1-based): chr4:125,320,621, A>G. VCF-style: chr4-125320621-A-G. GRCh37 (hg19) VCF-style: chr4-126241776-A-G.
Other names: c.4210A>G (NM_024582.5); c.4210A>G, p.Met1404Val (NM_001291285.3, NM_024582.6); short protein forms M1404V.
Identifiers: ClinVar variation 1346104 (VCV001346104.7), dbSNP rs779982980, ClinGen allele CA3072429.

ClinVar aggregate classification (germline): Uncertain significance. Review status: criteria provided, multiple submitters, no conflicts (2 of 4 stars). 2 submissions from 2 submitters: Uncertain significance (2). Last evaluated 2024-04-07.

Conditions:
Van Maldergem syndrome 2 (VMLDS2). Identifiers: Orphanet 314679, MedGen C3809875, MONDO:0014242, OMIM 615546.
Hennekam lymphangiectasia-lymphedema syndrome 2 (HKLLS2). Identifiers: Orphanet 2136, MedGen C4014939, MONDO:0014454, OMIM 616006.

Allele frequency attached by ClinVar (database versions not stated): gnomAD exomes below 0.00001; ExAC 0.00001.

Submissions (2):

Fulgent Genetics
Classification: Uncertain significance for Van Maldergem syndrome 2; Hennekam lymphangiectasia-lymphedema syndrome 2. Last evaluated: 2024-04-07. Review status: criteria provided, single submitter. Criteria: ACMG Guidelines, 2015. Collection method: clinical testing. Allele origin: germline.

Labcorp Genetics (formerly Invitae), Labcorp
Classification: Uncertain significance. Last evaluated: 2021-10-21. Review status: criteria provided, single submitter. Criteria: Invitae Variant Classification Sherloc (09022015). Collection method: clinical testing. Allele origin: germline.
Comment: In summary, the available evidence is currently insufficient to determine the role of this variant in disease. Therefore, it has been classified as a Variant of Uncertain Significance. Algorithms developed to predict the effect of sequence changes on RNA splicing suggest that this variant may create or strengthen a splice site. Advanced modeling of protein sequence and biophysical properties (such as structural, functional, and spatial information, amino acid conservation, physicochemical variation, residue mobility, and thermodynamic stability) performed at Invitae indicates that this missense variant is not expected to disrupt FAT4 protein function. This variant has not been reported in the literature in individuals affected with FAT4-related conditions. This variant is present in population databases (rs779982980, ExAC 0.001%). This sequence change replaces methionine with valine at codon 1404 of the FAT4 protein (p.Met1404Val). The methionine residue is highly conserved and there is a small physicochemical difference between methionine and valine.